The following is an entry in ClinVar:

ClinVar aggregate classification (germline): Uncertain significance (1 of 4 stars; one submission).

gnomAD v4.1: 9 of 1,532,790 alleles (0.00059%); highest among the groups gnomAD compares: Middle Eastern, 0.018%; no homozygotes.

Submission:

Labcorp Genetics (formerly Invitae), Labcorp
Classification: Uncertain significance. Last evaluated: 2024-06-02. Review status: criteria provided, single submitter. Criteria: Invitae Variant Classification Sherloc (09022015). Collection method: clinical testing. Allele origin: germline.
Comment: This sequence change replaces histidine, which is basic and polar, with arginine, which is basic and polar, at codon 483 of the TNS2 protein (p.His483Arg). This variant is not present in population databases (gnomAD no frequency). This variant has not been reported in the literature in individuals affected with TNS2-related conditions. An algorithm developed to predict the effect of missense changes on protein structure and function (PolyPhen-2) suggests that this variant is likely to be disruptive. In summary, the available evidence is currently insufficient to determine the role of this variant in disease. Therefore, it has been classified as a Variant of Uncertain Significance.

NM_170754.4(TNS2):c.1418A>G (p.His473Arg)

Gene: TNS2 (tensin 2; plus strand). Cytogenetic location: 12q13.13.
Variant type: single nucleotide variant.
Coding change: c.1418A>G on transcript NM_170754.4 (MANE Select); coding-DNA position 1418, A replaced by G.
Protein change: p.His473Arg; replaces histidine 473 with arginine.
Molecular consequence: missense variant.
Genome position (GRCh38, 1-based): chr12:53,059,059, A>G. VCF-style: chr12-53059059-A-G. GRCh37 (hg19) VCF-style: chr12-53452843-A-G.
Other names: c.1418A>G, p.His473Arg (NM_001416202.1); c.1376A>G, p.His459Arg (NM_001416203.1); c.1445A>G, p.His482Arg (NM_001416204.1); c.1349A>G, p.His450Arg (NM_015319.3); c.1046A>G, p.His349Arg (NM_198316.2); short protein forms H450R, H459R, H473R, H482R, H349R.
Identifiers: ClinVar variation 3678685 (VCV003678685.2).
Genomic context (GRCh38, chr12:53,059,059, plus strand): 5'-TCCCTGTTCCCCGCTTGCCCTCCCTCCCTGATCCTCTTCCCCACTCAGGCTCCTTGACCC[A>G]CACCCGGGGTCCCCTGGATGGCAGTCCTTATGCCCAGGTGCAGCGGCCTCCCCGGCAGAC-3'
Protein context (NP_736610.2, residues 463-483): HEDSVDGSLT[His473Arg]TRGPLDGSPY